The following is an entry in ClinVar:

NM_006267.5(RANBP2):c.2020A>T (p.Ile674Leu)

Gene: RANBP2 (RAN binding protein 2; plus strand). Cytogenetic location: 2q13.
Variant type: single nucleotide variant.
Coding change: c.2020A>T on transcript NM_006267.5 (MANE Select); coding-DNA position 2020, A replaced by T.
Protein change: p.Ile674Leu; replaces isoleucine 674 with leucine.
Molecular consequence: missense variant.
Genome position (GRCh38, 1-based): chr2:108,753,528, A>T. VCF-style: chr2-108753528-A-T. GRCh37 (hg19) VCF-style: chr2-109369984-A-T.
Other names: short protein forms I674L.
Identifiers: ClinVar variation 2153201 (VCV002153201.4), dbSNP rs1238632184, ClinGen allele CA348053536.

ClinVar aggregate classification (germline): Uncertain significance (1 of 4 stars; one submission).

Conditions:
Familial acute necrotizing encephalopathy (IIAE3). Also called: ENCEPHALOPATHY, ACUTE, INFECTION-INDUCED, SUSCEPTIBILITY TO, 3; Susceptibility to Acute Necrotizing Encephalopathy 1. Identifiers: Orphanet 88619, MedGen C2675556, MONDO:0011953, OMIM 608033.

Allele frequency attached by ClinVar (database versions not stated): gnomAD 0.00002.
gnomAD v4.1: 26 of 1,611,750 alleles (0.0016%); highest among the groups gnomAD compares: Non-Finnish European, 0.0022%; no homozygotes.

Submission:

Labcorp Genetics (formerly Invitae), Labcorp
Classification: Uncertain significance for Familial acute necrotizing encephalopathy. Last evaluated: 2024-10-12. Review status: criteria provided, single submitter. Criteria: Invitae Variant Classification Sherloc (09022015). Collection method: clinical testing. Allele origin: germline.
Comment: This sequence change replaces isoleucine, which is neutral and non-polar, with leucine, which is neutral and non-polar, at codon 674 of the RANBP2 protein (p.Ile674Leu). This variant is not present in population databases (gnomAD no frequency). This variant has not been reported in the literature in individuals affected with RANBP2-related conditions. ClinVar contains an entry for this variant (Variation ID: 2153201). An algorithm developed to predict the effect of missense changes on protein structure and function (PolyPhen-2) suggests that this variant is likely to be tolerated. In summary, the available evidence is currently insufficient to determine the role of this variant in disease. Therefore, it has been classified as a Variant of Uncertain Significance.